The following is an entry in ClinVar:

NM_015660.3(GIMAP2):c.200G>T (p.Ser67Ile)

Gene: GIMAP2 (GTPase, IMAP family member 2; plus strand). Cytogenetic location: 7q36.1.
Variant type: single nucleotide variant.
Coding change: c.200G>T on transcript NM_015660.3 (MANE Select); coding-DNA position 200, G replaced by T.
Protein change: p.Ser67Ile; replaces serine 67 with isoleucine.
Molecular consequence: missense variant.
Genome position (GRCh38, 1-based): chr7:150,692,486, G>T. VCF-style: chr7-150692486-G-T. GRCh37 (hg19) VCF-style: chr7-150389574-G-T.
Other names: short protein forms S67I.
Identifiers: ClinVar variation 2658159 (VCV002658159.24), dbSNP rs143364322, ClinGen allele CA4564497.
Genomic context (GRCh38, chr7:150,692,486, plus strand): 5'-CATTTGAATCGAAGCTGGGTTCCCAGACCTTGACTAAGACTTGCAGCAAAAGTCAGGGAA[G>T]CTGGGGAAATAGAGAGATTGTCATTATTGACACACCAGATATGTTTTCTTGGAAGGACCA-3'
Protein context (NP_056475.1, residues 57-77): LTKTCSKSQG[Ser67Ile]WGNREIVIID

ClinVar aggregate classification (germline): Likely benign (1 of 4 stars; one submission).

Allele frequency attached by ClinVar (database versions not stated): 1000 Genomes Project 0.00080; 1000 Genomes Project 30x 0.00109; ExAC 0.00316; gnomAD exomes 0.00562; ESP Exome Variant Server 0.00623; TOPMed 0.00380; gnomAD 0.00382.
gnomAD v4.1: 8,777 of 1,614,194 alleles (0.54%); highest among the groups gnomAD compares: Non-Finnish European, 0.68%; 38 homozygotes.

Submission:

CeGaT Center for Human Genetics Tuebingen
Classification: Likely benign. Last evaluated: 2022-11-01. Review status: criteria provided, single submitter. Criteria: CeGaT Center For Human Genetics Tuebingen Variant Classification Criteria Version 2. Collection method: clinical testing. Allele origin: germline. Affected: yes. Observed: 1 variant allele.
Comment: GIMAP2: BP4, BS2